The following is an entry in ClinVar:

ClinVar aggregate classification (germline): Uncertain significance. Review status: criteria provided, multiple submitters, no conflicts (2 of 4 stars). 2 submissions from 2 submitters: Uncertain significance (2). Last evaluated 2024-03-05.

Conditions:
Noonan syndrome 7 (NS7). Also called: BRAF-Related Noonan Syndrome. Identifiers: Orphanet 648, MedGen C3150970, MONDO:0013379, OMIM 613706.
RASopathy. Also called: rasopathies; Noonan spectrum disorder. Identifiers: Orphanet 536391, MedGen C5555857, MONDO:0021060.

Allele frequency attached by ClinVar (database versions not stated): gnomAD exomes below 0.00001.
gnomAD v4.1: 1 of 1,614,126 alleles (0.000062%); highest among the groups gnomAD compares: Non-Finnish European, 0.000085%; no homozygotes.

Submissions (2):

Labcorp Genetics (formerly Invitae), Labcorp
Classification: Uncertain significance for RASopathy. Last evaluated: 2024-03-05. Review status: criteria provided, single submitter. Criteria: Invitae Variant Classification Sherloc (09022015). Collection method: clinical testing. Allele origin: germline.
Comment: This sequence change replaces tyrosine, which is neutral and polar, with cysteine, which is neutral and slightly polar, at codon 82 of the BRAF protein (p.Tyr82Cys). This variant is not present in population databases (gnomAD no frequency). This variant has not been reported in the literature in individuals affected with BRAF-related conditions. ClinVar contains an entry for this variant (Variation ID: 2150616). Advanced modeling of protein sequence and biophysical properties (such as structural, functional, and spatial information, amino acid conservation, physicochemical variation, residue mobility, and thermodynamic stability) performed at Invitae indicates that this missense variant is expected to disrupt BRAF protein function with a positive predictive value of 95%. In summary, the available evidence is currently insufficient to determine the role of this variant in disease. Therefore, it has been classified as a Variant of Uncertain Significance.

Institute for Genomic Medicine (IGM) Clinical Laboratory, Nationwide Children's Hospital
Classification: Uncertain significance for Noonan syndrome 7. Last evaluated: 2023-01-03. Review status: criteria provided, single submitter. Criteria: ACMG Guidelines, 2015. Collection method: clinical testing. Allele origin: germline.
Comment: This variant is absent from or present at an exceedingly low frequency in gnomAD, a large-scale control population database (ACMG/AMP: PM2). This variant occurs in a gene with a low rate of benign missense variation, in which missense alterations are a common mechanism of disease (ACMG/AMP: PP2).

NM_004333.6(BRAF):c.245A>G (p.Tyr82Cys)

Gene: BRAF (B-Raf proto-oncogene, serine/threonine kinase; minus strand). Cytogenetic location: 7q34.
Variant type: single nucleotide variant.
Coding change: c.245A>G on transcript NM_004333.6 (MANE Select); coding-DNA position 245, A replaced by G.
Protein change: p.Tyr82Cys; replaces tyrosine 82 with cysteine.
Molecular consequence: missense variant. On other transcripts: intron variant (1).
Genome position (GRCh38, 1-based): chr7:140,834,868, T>C on the plus strand (A>G on the coding strand, the complement: BRAF is on the minus strand). VCF-style: chr7-140834868-T-C. GRCh37 (hg19) VCF-style: chr7-140534668-T-C.
Other names: c.245A>G, p.Tyr82Cys (NM_001354609.2, NM_001374244.1, NM_001374258.1 and 5 more transcripts); c.143A>G, p.Tyr48Cys (NM_001378470.1); c.89A>G, p.Tyr30Cys (NM_001378472.1, NM_001378473.1); c.240+15243A>G (NM_001378475.1); short protein forms Y48C, Y82C, Y30C.
Identifiers: ClinVar variation 2150616 (VCV002150616.4), dbSNP rs2129062326, ClinGen allele CA369593965.
Genomic context (GRCh38, chr7:140,834,868, plus strand): 5'-GATTCCAATAACTGTTGTTCTCTTTGTTGGAGTGCATCTAGCTTGCTGGTGTATTCTTCA[T>C]AGGCCTATAAAATAAAGCAGACTTATATTCAATCCGGACTTTGTCCTGACATTAACAAAA-3'
Protein context (NP_004324.2, residues 72-92): HNPPSIYLEA[Tyr82Cys]EEYTSKLDAL